The following is an entry in ClinVar:

NM_001371727.1(GABRB2):c.744A>G (p.Gln248=)

Gene: GABRB2 (gamma-aminobutyric acid type A receptor subunit beta2; minus strand). Cytogenetic location: 5q34.
Variant type: single nucleotide variant.
Coding change: c.744A>G on transcript NM_001371727.1 (MANE Select); coding-DNA position 744, A replaced by G.
Protein change: p.Gln248=; no amino-acid change (glutamine 248 retained).
Molecular consequence: synonymous variant.
Genome position (GRCh38, 1-based): chr5:161,334,840, T>C on the plus strand (A>G on the coding strand, the complement: GABRB2 is on the minus strand). VCF-style: chr5-161334840-T-C. GRCh37 (hg19) VCF-style: chr5-160761847-T-C.
Other names: c.744A>G, p.Gln248= (NM_000813.3, NM_021911.3).
Identifiers: ClinVar variation 853266 (VCV000853266.11), dbSNP rs935553427, ClinGen allele CA131020426.

ClinVar aggregate classification (germline): Uncertain significance. Review status: criteria provided, multiple submitters, no conflicts (2 of 4 stars). 2 submissions from 2 submitters: Uncertain significance (2). Last evaluated 2022-03-19.

Conditions:
Developmental and epileptic encephalopathy 92. Also called: EPILEPTIC ENCEPHALOPATHY, INFANTILE OR EARLY CHILDHOOD, 2. Identifiers: MedGen C4693362, MONDO:0020631, OMIM 617829.
Intellectual disability. Also called: Intellectual developmental disorder; Intellectual functioning disability; intellectual disabilities. Identifiers: MedGen C3714756, MeSH D008607, MONDO:0001071, HP:0001249.

Allele frequency attached by ClinVar (database versions not stated): gnomAD 0.00001; gnomAD exomes 0.00001; TOPMed 0.00003.
gnomAD v4.1: 9 of 1,613,946 alleles (0.00056%); highest among the groups gnomAD compares: Non-Finnish European, 0.00076%; no homozygotes.

Submissions (2):

Labcorp Genetics (formerly Invitae), Labcorp
Classification: Uncertain significance for Intellectual disability. Last evaluated: 2022-03-19. Review status: criteria provided, single submitter. Criteria: Invitae Variant Classification Sherloc (09022015). Collection method: clinical testing. Allele origin: germline.
Comment: In summary, the available evidence is currently insufficient to determine the role of this variant in disease. Therefore, it has been classified as a Variant of Uncertain Significance. Algorithms developed to predict the effect of sequence changes on RNA splicing suggest that this variant may create or strengthen a splice site. ClinVar contains an entry for this variant (Variation ID: 853266). This variant has not been reported in the literature in individuals affected with GABRB2-related conditions. This variant is present in population databases (no rsID available, gnomAD 0.002%). This sequence change affects codon 248 of the GABRB2 mRNA. It is a 'silent' change, meaning that it does not change the encoded amino acid sequence of the GABRB2 protein.

Fulgent Genetics
Classification: Uncertain significance for Developmental and epileptic encephalopathy 92. Last evaluated: 2021-10-22. Review status: criteria provided, single submitter. Criteria: ACMG Guidelines, 2015. Collection method: clinical testing. Allele origin: unknown.